The following is an entry in ClinVar:

ClinVar aggregate classification (germline): Uncertain significance (1 of 4 stars; one submission).

Conditions:
Familial thoracic aortic aneurysm and aortic dissection (TAAD). Also called: Thoracic aortic aneurysms and dissections. Identifiers: Orphanet 91387, MedGen C4707243, MONDO:0019625.

gnomAD v4.1: 1 of 1,612,396 alleles (0.000062%); highest among the groups gnomAD compares: African/African-American, 0.0013%; no homozygotes.

Submission:

Ambry Genetics
Classification: Uncertain significance for Familial thoracic aortic aneurysm and aortic dissection. Last evaluated: 2025-02-27. Review status: criteria provided, single submitter. Criteria: Ambry Variant Classification Scheme 2023. Collection method: clinical testing. Allele origin: germline.
Comment: The p.N121K variant (also known as c.363C>G), located in coding exon 2 of the PRKG1 gene, results from a C to G substitution at nucleotide position 363. The asparagine at codon 121 is replaced by lysine, an amino acid with similar properties. This amino acid position is conserved. In addition, this alteration is predicted to be tolerated by in silico analysis. Based on the available evidence, the clinical significance of this variant remains unclear.

NM_006258.4(PRKG1):c.363C>G (p.Asn121Lys)

Gene: PRKG1 (protein kinase cGMP-dependent 1; plus strand). Cytogenetic location: 10q21.1.
Variant type: single nucleotide variant.
Coding change: c.363C>G on transcript NM_006258.4 (MANE Select); coding-DNA position 363, C replaced by G.
Protein change: p.Asn121Lys; replaces asparagine 121 with lysine.
Molecular consequence: missense variant.
Genome position (GRCh38, 1-based): chr10:51,153,215, C>G. VCF-style: chr10-51153215-C-G. GRCh37 (hg19) VCF-style: chr10-52912975-C-G.
Other names: c.318C>G, p.Asn106Lys (NM_001098512.3); c.363C>G, p.Asn121Lys (NM_001374782.1); short protein forms N121K, N106K.
Identifiers: ClinVar variation 3783397 (VCV003783397.1).
Genomic context (GRCh38, chr10:51,153,215, plus strand): 5'-TTGCCATAGGTCCAAGGATCTTATAAAGGAAGCTATCCTTGACAATGACTTTATGAAGAA[C>G]TTGGAGCTGTCGCAGATCCAGGAGATTGTGGATTGTATGTACCCGGTGGAGTATGGCAAG-3'
Protein context (NP_006249.1, residues 111-131): EAILDNDFMK[Asn121Lys]LELSQIQEIV